The following is an entry in ClinVar:

ClinVar aggregate classification (germline): Benign/Likely benign. Review status: criteria provided, multiple submitters, no conflicts (2 of 4 stars). 5 submissions from 5 submitters: Benign (3); Likely benign (2). Last evaluated 2025-12-21.

Conditions:
Cardiovascular phenotype. Identifiers: MedGen CN230736.
Episodic pain syndrome, familial, 2 (FEPS2). Identifiers: Orphanet 306577, MedGen C3809893, MONDO:0014246, OMIM 615551.
Brugada syndrome. Also called: Sudden unexplained nocturnal death syndrome; Sudden unexpected nocturnal death syndrome; Sudden Unexplained Death Syndrome; Sudden Unexplained Nocturnal Death Syndrome (SUNDS). Identifiers: Orphanet 130, MedGen C1142166, MONDO:0015263.

Allele frequency attached by ClinVar (database versions not stated): gnomAD 0.00031 and 0.00050; TOPMed 0.00063; gnomAD exomes 0.00111; ExAC 0.00120; 1000 Genomes Project 30x 0.00297; 1000 Genomes Project 0.00300.
gnomAD v4.1: 648 of 1,613,898 alleles (0.04%); highest among the groups gnomAD compares: East Asian, 1.3%; 5 homozygotes.

Submissions (5):

Labcorp Genetics (formerly Invitae), Labcorp
Classification: Benign for Brugada syndrome. Last evaluated: 2025-12-21. Review status: criteria provided, single submitter. Criteria: Invitae Variant Classification Sherloc (09022015). Collection method: clinical testing. Allele origin: germline.

Blueprint Genetics
Classification: Likely benign. Last evaluated: 2024-10-30. Review status: criteria provided, single submitter. Criteria: ACMG Guidelines, 2015. Collection method: clinical testing. Allele origin: germline.

Fulgent Genetics
Classification: Likely benign for Episodic pain syndrome, familial, 2. Last evaluated: 2021-08-23. Review status: criteria provided, single submitter. Criteria: ACMG Guidelines, 2015. Collection method: clinical testing. Allele origin: unknown.

Ambry Genetics
Classification: Benign for Cardiovascular phenotype. Last evaluated: 2019-07-24. Review status: criteria provided, single submitter. Criteria: Ambry Variant Classification Scheme 2023. Collection method: clinical testing. Allele origin: germline.

GeneDx
Classification: Benign. Last evaluated: 2017-09-01. Review status: criteria provided, single submitter. Criteria: GeneDx Variant Classification (06012015). Collection method: clinical testing. Allele origin: germline. Affected: yes.
Comment: This variant is considered likely benign or benign based on one or more of the following criteria: it is a conservative change, it occurs at a poorly conserved position in the protein, it is predicted to be benign by multiple in silico algorithms, and/or has population frequency not consistent with disease.

NM_006514.4(SCN10A):c.3291C>G (p.Ile1097Met)

Genes: SCN10A (sodium voltage-gated channel alpha subunit 10; minus strand), LOC110121288 (VISTA enhancer hs2268; plus strand). Cytogenetic location: 3p22.2.
Variant type: single nucleotide variant.
Coding change: c.3291C>G on transcript NM_006514.4 (MANE Select); coding-DNA position 3291, C replaced by G.
Protein change: p.Ile1097Met; replaces isoleucine 1097 with methionine.
Molecular consequence: missense variant.
Genome position (GRCh38, 1-based): chr3:38,723,491, G>C on the plus strand (C>G on the coding strand, the complement: SCN10A is on the minus strand). VCF-style: chr3-38723491-G-C. GRCh37 (hg19) VCF-style: chr3-38764982-G-C.
Other names: c.3288C>G, p.Ile1096Met (NM_001293306.2); c.2997C>G, p.Ile999Met (NM_001293307.2); short protein forms I1097M, I1096M, I999M.
Identifiers: ClinVar variation 414622 (VCV000414622.15), dbSNP rs148041371, ClinGen allele CA2320281.